The following is an entry in ClinVar:

ClinVar aggregate classification (germline): Benign/Likely benign. Review status: criteria provided, multiple submitters, no conflicts (2 of 4 stars). 3 submissions from 3 submitters: Benign (1); Likely benign (1). 1 of the submissions does not count toward it. Last evaluated 2025-12-16.

Conditions:
LAMA5-related disorder. Also called: LAMA5-related condition; LAMA5-Related Disorders.

Allele frequency attached by ClinVar (database versions not stated): gnomAD exomes 0.00006; ExAC 0.00030; 1000 Genomes Project 0.00040; gnomAD 0.00069; TOPMed 0.00071; 1000 Genomes Project 30x 0.00078.
gnomAD v4.1: 192 of 1,571,668 alleles (0.012%); highest among the groups gnomAD compares: African/African-American, 0.24%; no homozygotes.

Submissions (3):

Labcorp Genetics (formerly Invitae), Labcorp
Classification: Benign. Last evaluated: 2025-12-16. Review status: criteria provided, single submitter. Criteria: Invitae Variant Classification Sherloc (09022015). Collection method: clinical testing. Allele origin: germline.

Mayo Clinic Laboratories, Mayo Clinic
Classification: Likely benign. Last evaluated: 2025-10-15. Review status: criteria provided, single submitter. Criteria: ACMG Guidelines, 2015. Collection method: clinical testing. Allele origin: germline. Observed: 1 variant allele.
Comment: BS1, BP4, BP7

PreventionGenetics, part of Exact Sciences
Classification: Likely benign for LAMA5-related condition. Last evaluated: 2022-02-14. Review status: no assertion criteria provided. Collection method: clinical testing. Allele origin: germline. Not counted in ClinVar's aggregate classification.
Comment: This variant is classified as likely benign based on ACMG/AMP sequence variant interpretation guidelines (Richards et al. 2015 PMID: 25741868, with internal and published modifications).

NM_005560.6(LAMA5):c.10282-4C>T

Gene: LAMA5 (laminin subunit alpha 5; minus strand). Cytogenetic location: 20q13.33.
Variant type: single nucleotide variant.
Coding change: c.10282-4C>T on transcript NM_005560.6 (MANE Select); 4 bases into the intron before coding-DNA position 10282, C replaced by T.
Molecular consequence: intron variant.
Genome position (GRCh38, 1-based): chr20:62,310,833, G>A on the plus strand (C>T on the coding strand, the complement: LAMA5 is on the minus strand). VCF-style: chr20-62310833-G-A. GRCh37 (hg19) VCF-style: chr20-60885889-G-A.
Other names: p.?; c.10282-4C>T (NM_005560.4).
Identifiers: ClinVar variation 2142422 (VCV002142422.7), dbSNP rs200479494, ClinGen allele CA9939840.